The following is an entry in ClinVar:

ClinVar aggregate classification (germline): Uncertain significance. Review status: criteria provided, multiple submitters, no conflicts (2 of 4 stars). 3 submissions from 3 submitters: Uncertain significance (3). Last evaluated 2024-10-12.

Conditions:
Cardiovascular phenotype. Identifiers: MedGen CN230736.
Familial thoracic aortic aneurysm and aortic dissection (TAAD). Also called: Thoracic aortic aneurysms and dissections. Identifiers: Orphanet 91387, MedGen C4707243, MONDO:0019625.
Ehlers-Danlos syndrome, classic type, 1 (EDSCL1). Also called: Ehlers-Danlos Syndrome, Classic Type, COL5A1-Related; EDS I; Ehlers-Danlos syndrome, type 1; EHLERS-DANLOS SYNDROME, GRAVIS TYPE; EHLERS-DANLOS SYNDROME, SEVERE CLASSIC TYPE. Identifiers: MedGen C0268335, MONDO:0019567, OMIM 130000.

Allele frequency attached by ClinVar (database versions not stated): TOPMed below 0.00001; ESP Exome Variant Server 0.00008; gnomAD exomes 0.00003.

Submissions (3):

Labcorp Genetics (formerly Invitae), Labcorp
Classification: Uncertain significance for Ehlers-Danlos syndrome, classic type, 1. Last evaluated: 2024-10-12. Review status: criteria provided, single submitter. Criteria: Invitae Variant Classification Sherloc (09022015). Collection method: clinical testing. Allele origin: germline.
Comment: This sequence change replaces methionine, which is neutral and non-polar, with valine, which is neutral and non-polar, at codon 1366 of the COL5A2 protein (p.Met1366Val). This variant is not present in population databases (gnomAD no frequency). This variant has not been reported in the literature in individuals affected with COL5A2-related conditions. ClinVar contains an entry for this variant (Variation ID: 519680). Invitae Evidence Modeling of protein sequence and biophysical properties (such as structural, functional, and spatial information, amino acid conservation, physicochemical variation, residue mobility, and thermodynamic stability) indicates that this missense variant is not expected to disrupt COL5A2 protein function with a negative predictive value of 80%. In summary, the available evidence is currently insufficient to determine the role of this variant in disease. Therefore, it has been classified as a Variant of Uncertain Significance.

Fulgent Genetics
Classification: Uncertain significance for Cardiovascular phenotype. Last evaluated: 2018-10-31. Review status: criteria provided, single submitter. Criteria: ACMG Guidelines, 2015. Collection method: clinical testing. Allele origin: unknown.

Ambry Genetics
Classification: Uncertain significance for Familial thoracic aortic aneurysm and aortic dissection. Last evaluated: 2016-12-09. Review status: criteria provided, single submitter. Criteria: Ambry Variant Classification Scheme 2023. Collection method: clinical testing. Allele origin: germline.
Comment: The p.M1366V variant (also known as c.4096A>G), located in coding exon 52 of the COL5A2 gene, results from an A to G substitution at nucleotide position 4096. The methionine at codon 1366 is replaced by valine, an amino acid with highly similar properties. This amino acid position is well conserved in available vertebrate species. In addition, the in silico prediction for this alteration is inconclusive. Since supporting evidence is limited at this time, the clinical significance of this alteration remains unclear.

NM_000393.5(COL5A2):c.4096A>G (p.Met1366Val)

Gene: COL5A2 (collagen type V alpha 2 chain; minus strand). Cytogenetic location: 2q32.2.
Variant type: single nucleotide variant.
Coding change: c.4096A>G on transcript NM_000393.5 (MANE Select); coding-DNA position 4096, A replaced by G.
Protein change: p.Met1366Val; replaces methionine 1366 with valine.
Molecular consequence: missense variant.
Genome position (GRCh38, 1-based): chr2:189,036,633, T>C on the plus strand (A>G on the coding strand, the complement: COL5A2 is on the minus strand). VCF-style: chr2-189036633-T-C. GRCh37 (hg19) VCF-style: chr2-189901359-T-C.
Other names: short protein forms M1366V.
Identifiers: ClinVar variation 519680 (VCV000519680.15), dbSNP rs372226064, ClinGen allele CA62582687.